The following is an entry in ClinVar:

ClinVar aggregate classification (germline): Benign. Review status: criteria provided, multiple submitters, no conflicts (2 of 4 stars). 7 submissions from 7 submitters: Benign (7). Last evaluated 2026-02-04.

Conditions:
Autoinflammatory syndrome. Identifiers: Orphanet 93665, MedGen C3890737, MONDO:0019751.
Chédiak-Higashi syndrome (CHS). Also called: Chediak-Higashi Syndrome. Identifiers: Orphanet 167, MedGen C0007965, MONDO:0008963, OMIM 214500.

Allele frequency attached by ClinVar (database versions not stated): gnomAD exomes 0.00740; ExAC 0.00918; gnomAD 0.02749 and 0.02954; ESP Exome Variant Server 0.03130; TOPMed 0.03194; 1000 Genomes Project 0.03235; 1000 Genomes Project 30x 0.03389.
gnomAD v4.1: 8,290 of 1,613,178 alleles (0.51%); highest among the groups gnomAD compares: African/African-American, 9.4%; 337 homozygotes.

Submissions (7):

Labcorp Genetics (formerly Invitae), Labcorp
Classification: Benign for Chédiak-Higashi syndrome. Last evaluated: 2026-02-04. Review status: criteria provided, single submitter. Criteria: Invitae Variant Classification Sherloc (09022015). Collection method: clinical testing. Allele origin: germline.

Mayo Clinic Laboratories, Mayo Clinic
Classification: Benign. Last evaluated: 2023-09-24. Review status: criteria provided, single submitter. Criteria: ACMG Guidelines, 2015. Collection method: clinical testing. Allele origin: germline. Observed: 61 variant alleles.

Genome Diagnostics Laboratory, The Hospital for Sick Children
Classification: Benign for Autoinflammatory syndrome. Last evaluated: 2022-02-25. Review status: criteria provided, single submitter. Criteria: ACMG Guidelines, 2015. Collection method: clinical testing. Allele origin: germline. Affected: yes.

GeneDx
Classification: Benign. Last evaluated: 2019-07-14. Review status: criteria provided, single submitter. Criteria: GeneDx Variant Classification Process June 2021. Collection method: clinical testing. Allele origin: germline. Affected: yes.

Illumina Laboratory Services, Illumina
Classification: Benign for Chédiak-Higashi syndrome. Last evaluated: 2018-01-13. Review status: criteria provided, single submitter. Criteria: ICSL Variant Classification Criteria 13 December 2019. Collection method: clinical testing. Allele origin: germline.
Comment: This variant was observed in the ICSL laboratory as part of a predisposition screen in an ostensibly healthy population. It had not been previously curated by ICSL or reported in the Human Gene Mutation Database (HGMD: prior to June 1st, 2018), and was therefore a candidate for classification through an automated scoring system. Utilizing variant allele frequency, disease prevalence and penetrance estimates, and inheritance mode, an automated score was calculated to assess if this variant is too frequent to cause the disease. Based on the score and internal cut-off values, a variant classified as benign is not then subjected to further curation. The score for this variant resulted in a classification of benign for this disease.

Breakthrough Genomics
Classification: Benign. Review status: criteria provided, single submitter. Criteria: ACMG Guidelines, 2015. Collection method: not provided. Allele origin: germline. Inheritance: Autosomal recessive inheritance. Affected: yes.

PreventionGenetics, part of Exact Sciences
Classification: Benign. Review status: criteria provided, single submitter. Criteria: ACMG Guidelines, 2015. Collection method: clinical testing. Allele origin: germline.

NM_000081.4(LYST):c.6900G>A (p.Leu2300=)

Gene: LYST (lysosomal trafficking regulator; minus strand). Cytogenetic location: 1q42.3.
Variant type: single nucleotide variant.
Coding change: c.6900G>A on transcript NM_000081.4 (MANE Select); coding-DNA position 6900, G replaced by A.
Protein change: p.Leu2300=; no amino-acid change (leucine 2300 retained).
Molecular consequence: synonymous variant.
Genome position (GRCh38, 1-based): chr1:235,757,440, C>T on the plus strand (G>A on the coding strand, the complement: LYST is on the minus strand). VCF-style: chr1-235757440-C-T. GRCh37 (hg19) VCF-style: chr1-235920740-C-T.
Other names: p.Leu2300=; c.6900G>A (NM_000081.2); c.6900G>A, p.Leu2300= (NM_001301365.1).
Identifiers: ClinVar variation 254936 (VCV000254936.24), dbSNP rs10926586, ClinGen allele CA1466265.
Genomic context (GRCh38, chr1:235,757,440, plus strand): 5'-ATCAGGCAGGATAAGAAGAACCCCACTTAGGAGTTCATATAATCCACAGCATATAGGTAC[C>T]AAACAGTCTTCAGTTACACTAAAACAGAGACCAAAAAAGTCTTACTAACATGACAAGAAA-3'
Protein context (NP_000072.2, residues 2290-2310): ASAHSVTEDC[Leu2300=]VPICCGLYEL